The following is an entry in ClinVar:

ClinVar aggregate classification (germline): Likely pathogenic (1 of 4 stars; one submission).

Conditions:
Glutaric aciduria, type 1. Also called: Glutaryl-CoA dehydrogenase deficiency; Glutaric Acidemia Type 1; Glutaricaciduria, type I; GA I; Glutaric acidemia type I; Glutaricacidemia Type 1. Identifiers: Orphanet 25, MedGen C0268595, MONDO:0009281, OMIM 231670.

Allele frequency attached by ClinVar (database versions not stated): gnomAD exomes below 0.00001.
gnomAD v4.1: 1 of 1,614,126 alleles (0.000062%); highest among the groups gnomAD compares: Non-Finnish European, 0.000085%; no homozygotes.

Submission:

Labcorp Genetics (formerly Invitae), Labcorp
Classification: Likely pathogenic for Glutaric aciduria, type 1. Last evaluated: 2021-12-02. Review status: criteria provided, single submitter. Criteria: Invitae Variant Classification Sherloc (09022015). Collection method: clinical testing. Allele origin: germline.
Comment: This sequence change replaces arginine, which is basic and polar, with serine, which is neutral and polar, at codon 372 of the GCDH protein (p.Arg372Ser). In summary, the currently available evidence indicates that the variant is pathogenic, but additional data are needed to prove that conclusively. Therefore, this variant has been classified as Likely Pathogenic. This variant disrupts the p.Arg372 amino acid residue in GCDH. Other variant(s) that disrupt this residue have been determined to be pathogenic (PMID: 10960496, 23395213). This suggests that this residue is clinically significant, and that variants that disrupt this residue are likely to be disease-causing. Advanced modeling of protein sequence and biophysical properties (such as structural, functional, and spatial information, amino acid conservation, physicochemical variation, residue mobility, and thermodynamic stability) performed at Invitae indicates that this missense variant is expected to disrupt GCDH protein function. This variant has not been reported in the literature in individuals affected with GCDH-related conditions. This variant is not present in population databases (gnomAD no frequency).

Literature cited by the submitters: PubMed 10960496; PubMed 23395213.

NM_000159.4(GCDH):c.1116G>C (p.Arg372Ser)

Gene: GCDH (glutaryl-CoA dehydrogenase; plus strand). Cytogenetic location: 19p13.13.
Variant type: single nucleotide variant.
Coding change: c.1116G>C on transcript NM_000159.4 (MANE Select); coding-DNA position 1116, G replaced by C.
Protein change: p.Arg372Ser; replaces arginine 372 with serine.
Molecular consequence: missense variant. On other transcripts: non-coding transcript variant (2).
Genome position (GRCh38, 1-based): chr19:12,897,736, G>C. VCF-style: chr19-12897736-G-C. GRCh37 (hg19) VCF-style: chr19-13008550-G-C.
Other names: c.1116G>C, p.Arg372Ser (NM_013976.5); short protein forms R372S.
Identifiers: ClinVar variation 2024012 (VCV002024012.4), dbSNP rs2512577314, ClinGen allele CA404321336.